The following is an entry in ClinVar:

ClinVar aggregate classification (germline): Uncertain significance (1 of 4 stars; one submission).

gnomAD v4.1: 7 of 1,614,090 alleles (0.00043%); highest among the groups gnomAD compares: East Asian, 0.0022%; no homozygotes.

Submission:

Labcorp Genetics (formerly Invitae), Labcorp
Classification: Uncertain significance. Last evaluated: 2024-04-01. Review status: criteria provided, single submitter. Criteria: Invitae Variant Classification Sherloc (09022015). Collection method: clinical testing. Allele origin: germline.
Comment: This sequence change replaces isoleucine, which is neutral and non-polar, with valine, which is neutral and non-polar, at codon 551 of the TRPV6 protein (p.Ile551Val). This variant is present in population databases (rs767663588, gnomAD 0.006%). This variant has not been reported in the literature in individuals affected with TRPV6-related conditions. Experimental studies and prediction algorithms are not available or were not evaluated, and the functional significance of this variant is currently unknown. In summary, the available evidence is currently insufficient to determine the role of this variant in disease. Therefore, it has been classified as a Variant of Uncertain Significance.

NM_018646.6(TRPV6):c.1651A>G (p.Ile551Val)

Gene: TRPV6 (transient receptor potential cation channel subfamily V member 6; minus strand). Cytogenetic location: 7q34.
Variant type: single nucleotide variant.
Coding change: c.1651A>G on transcript NM_018646.6 (MANE Select); coding-DNA position 1651, A replaced by G.
Protein change: p.Ile551Val; replaces isoleucine 551 with valine.
Molecular consequence: missense variant.
Genome position (GRCh38, 1-based): chr7:142,873,705, T>C on the plus strand (A>G on the coding strand, the complement: TRPV6 is on the minus strand). VCF-style: chr7-142873705-T-C. GRCh37 (hg19) VCF-style: chr7-142571458-T-C.
Other names: short protein forms I551V.
Identifiers: ClinVar variation 3607402 (VCV003607402.2).